The following is an entry in ClinVar:

NM_000875.5(IGF1R):c.2304G>A (p.Pro768=)

Gene: IGF1R (insulin like growth factor 1 receptor; plus strand). Cytogenetic location: 15q26.3.
Variant type: single nucleotide variant.
Coding change: c.2304G>A on transcript NM_000875.5 (MANE Select); coding-DNA position 2304, G replaced by A.
Protein change: p.Pro768=; no amino-acid change (proline 768 retained).
Molecular consequence: synonymous variant.
Genome position (GRCh38, 1-based): chr15:98,922,250, G>A. VCF-style: chr15-98922250-G-A. GRCh37 (hg19) VCF-style: chr15-99465479-G-A.
Other names: c.2304G>A, p.Pro768= (NM_001291858.2).
Identifiers: ClinVar variation 741213 (VCV000741213.8), dbSNP rs561613742, ClinGen allele CA7752367.

ClinVar aggregate classification (germline): Likely benign. Review status: criteria provided, single submitter (1 of 4 stars). 2 submissions from 2 submitters: Likely benign (1). 1 of the submissions does not count toward it. Last evaluated 2023-11-10.

Conditions:
IGF1R-related disorder. Also called: IGF1R-related condition.

Allele frequency attached by ClinVar (database versions not stated): gnomAD 0.00006 and 0.00003; ExAC 0.00011; 1000 Genomes Project 0.00020; TOPMed 0.00003; gnomAD exomes 0.00009; 1000 Genomes Project 30x 0.00016.
gnomAD v4.1: 78 of 1,614,170 alleles (0.0048%); highest among the groups gnomAD compares: South Asian, 0.057%; no homozygotes.

Submissions (2):

Labcorp Genetics (formerly Invitae), Labcorp
Classification: Likely benign. Last evaluated: 2023-11-10. Review status: criteria provided, single submitter. Criteria: Invitae Variant Classification Sherloc (09022015). Collection method: clinical testing. Allele origin: germline.

PreventionGenetics, part of Exact Sciences
Classification: Likely benign for IGF1R-related condition. Last evaluated: 2022-06-27. Review status: no assertion criteria provided. Collection method: clinical testing. Allele origin: germline. Not counted in ClinVar's aggregate classification.
Comment: This variant is classified as likely benign based on ACMG/AMP sequence variant interpretation guidelines (Richards et al. 2015 PMID: 25741868, with internal and published modifications).